The following is an entry in ClinVar:

NM_000426.4(LAMA2):c.8708C>T (p.Thr2903Ile)

Gene: LAMA2 (laminin subunit alpha 2; plus strand). Cytogenetic location: 6q22.33.
Variant type: single nucleotide variant.
Coding change: c.8708C>T on transcript NM_000426.4 (MANE Select); coding-DNA position 8708, C replaced by T.
Protein change: p.Thr2903Ile; replaces threonine 2903 with isoleucine.
Molecular consequence: missense variant.
Genome position (GRCh38, 1-based): chr6:129,507,493, C>T. VCF-style: chr6-129507493-C-T. GRCh37 (hg19) VCF-style: chr6-129828638-C-T.
Other names: c.8696C>T, p.Thr2899Ile (NM_001079823.2); short protein forms T2899I, T2903I.
Identifiers: ClinVar variation 1050221 (VCV001050221.6), dbSNP rs1786187608, ClinGen allele CA365635444.

ClinVar aggregate classification (germline): Uncertain significance. Review status: criteria provided, single submitter (1 of 4 stars). 2 submissions from 2 submitters: Uncertain significance (1). 1 of the submissions does not count toward it. Last evaluated 2024-02-24.

Conditions:
LAMA2-related muscular dystrophy (LAMA2-RD). Also called: Laminin alpha 2-related dystrophy. Identifiers: MedGen C5679788, MONDO:0100228.

Allele frequency attached by ClinVar (database versions not stated): TOPMed below 0.00001.

Submissions (2):

Labcorp Genetics (formerly Invitae), Labcorp
Classification: Uncertain significance for LAMA2-related muscular dystrophy. Last evaluated: 2024-02-24. Review status: criteria provided, single submitter. Criteria: Invitae Variant Classification Sherloc (09022015). Collection method: clinical testing. Allele origin: germline.
Comment: This sequence change replaces threonine, which is neutral and polar, with isoleucine, which is neutral and non-polar, at codon 2903 of the LAMA2 protein (p.Thr2903Ile). This variant is not present in population databases (gnomAD no frequency). This variant has not been reported in the literature in individuals affected with LAMA2-related conditions. ClinVar contains an entry for this variant (Variation ID: 1050221). Advanced modeling of protein sequence and biophysical properties (such as structural, functional, and spatial information, amino acid conservation, physicochemical variation, residue mobility, and thermodynamic stability) performed at Invitae indicates that this missense variant is not expected to disrupt LAMA2 protein function with a negative predictive value of 95%. In summary, the available evidence is currently insufficient to determine the role of this variant in disease. Therefore, it has been classified as a Variant of Uncertain Significance.

Department of Pathology and Laboratory Medicine, Sinai Health System
Classification: Uncertain significance. Review status: no assertion criteria provided. Collection method: clinical testing. Allele origin: unknown. Affected: yes. Study: The Canadian Open Genetics Repository (COGR). Not counted in ClinVar's aggregate classification.
Comment: The LAMA2 p.T2899I variant was not identified in literature nor was it identified in dbSNP, ClinVar or in the following control databases: the 1000 Genomes Project, the NHLBI GO Exome Sequencing Project, or the Genome Aggregation Database (March 6, 2019, v2.1.1). The p.T2899 residue is conserved in mammals however computational analyses (MUT Assesor, SIFT, MutationTaster, Revel, FATHMM, MetaLR, DANN) do not suggest a high likelihood of impact to the protein; this information is not very predictive of pathogenicity. The variant occurs outside of the splicing consensus sequence and in silico or computational prediction software programs (Splice AI exome) do not predict a difference in splicing. In summary, based on the above information the clinical significance of this variant cannot be determined with certainty at this time. This variant is classified as a variant of uncertain significance.